The following is an entry in ClinVar:

NM_001148.6(ANK2):c.2216G>C (p.Gly739Ala)

Gene: ANK2 (ankyrin 2; plus strand). Cytogenetic location: 4q26.
Variant type: single nucleotide variant.
Coding change: c.2216G>C on transcript NM_001148.6 (MANE Select); coding-DNA position 2216, G replaced by C.
Protein change: p.Gly739Ala; replaces glycine 739 with alanine.
Molecular consequence: missense variant.
Genome position (GRCh38, 1-based): chr4:113,288,425, G>C. VCF-style: chr4-113288425-G-C. GRCh37 (hg19) VCF-style: chr4-114209581-G-C.
Other names: c.2216G>C (NM_001148.4); c.2216G>C, p.Gly739Ala (NM_001354235.2, NM_001354236.2, NM_001354265.2 and 6 more transcripts); c.2261G>C, p.Gly754Ala (NM_001354237.2, NM_001354240.2, NM_001354241.2 and 5 more transcripts); c.2153G>C, p.Gly718Ala (NM_001354239.2, NM_001354243.2, NM_001354244.2 and 10 more transcripts); c.2030G>C, p.Gly677Ala (NM_001354260.2, NM_001386151.1, NM_001354271.2); c.2174G>C, p.Gly725Ala (NM_001354261.2, NM_001386147.1, NM_001386160.1); c.2129G>C, p.Gly710Ala (NM_001354264.2, NM_001354266.2, NM_001354267.2 and 10 more transcripts); c.2117G>C, p.Gly706Ala (NM_001354268.2, NM_001354245.2); and 9 more; short protein forms G611A, G644A, G669A, G673A, G677A, G685A, G706A, G710A.
Identifiers: ClinVar variation 1005835 (VCV001005835.8), dbSNP rs1450953871, ClinGen allele CA357917329.

ClinVar aggregate classification (germline): Uncertain significance. Review status: criteria provided, multiple submitters, no conflicts (2 of 4 stars). 3 submissions from 3 submitters: Uncertain significance (3). Last evaluated 2025-05-22.

Conditions:
Cardiovascular phenotype. Identifiers: MedGen CN230736.
Long QT syndrome (LQTS). Identifiers: MedGen C0023976, MeSH D008133, MONDO:0002442. Disease mechanism: loss of function. Inheritance: Various modes of inheritance.

Allele frequency attached by ClinVar (database versions not stated): gnomAD 0.00001; TOPMed 0.00002.
gnomAD v4.1: 4 of 1,613,706 alleles (0.00025%); highest among the groups gnomAD compares: African/African-American, 0.0013%; no homozygotes.

Submissions (3):

GeneDx
Classification: Uncertain significance. Last evaluated: 2025-05-22. Review status: criteria provided, single submitter. Criteria: GeneDx Variant Classification Process June 2021. Collection method: clinical testing. Allele origin: germline.
Comment: Has not been previously published as pathogenic or benign to our knowledge; Not observed at significant frequency in large population cohorts (gnomAD); In silico analysis supports that this missense variant has a deleterious effect on protein structure/function

Labcorp Genetics (formerly Invitae), Labcorp
Classification: Uncertain significance for Long QT syndrome. Last evaluated: 2025-03-26. Review status: criteria provided, single submitter. Criteria: Invitae Variant Classification Sherloc (09022015). Collection method: clinical testing. Allele origin: germline.
Comment: This sequence change replaces glycine, which is neutral and non-polar, with alanine, which is neutral and non-polar, at codon 739 of the ANK2 protein (p.Gly739Ala). This variant is not present in population databases (gnomAD no frequency). This variant has not been reported in the literature in individuals affected with ANK2-related conditions. ClinVar contains an entry for this variant (Variation ID: 1005835). Invitae Evidence Modeling of protein sequence and biophysical properties (such as structural, functional, and spatial information, amino acid conservation, physicochemical variation, residue mobility, and thermodynamic stability) has been performed for this missense variant. However, the output from this modeling did not meet the statistical confidence thresholds required to predict the impact of this variant on ANK2 protein function. In summary, the available evidence is currently insufficient to determine the role of this variant in disease. Therefore, it has been classified as a Variant of Uncertain Significance.

Ambry Genetics
Classification: Uncertain significance for Cardiovascular phenotype. Last evaluated: 2023-10-10. Review status: criteria provided, single submitter. Criteria: Ambry Variant Classification Scheme 2023. Collection method: clinical testing. Allele origin: germline.
Comment: The p.G739A variant (also known as c.2216G>C), located in coding exon 20 of the ANK2 gene, results from a G to C substitution at nucleotide position 2216. The glycine at codon 739 is replaced by alanine, an amino acid with similar properties. This amino acid position is conserved. In addition, this alteration is predicted to be deleterious by in silico analysis. Since supporting evidence is limited at this time, the clinical significance of this alteration remains unclear.